The following is an entry in ClinVar:

NM_152783.5(D2HGDH):c.29C>T (p.Pro10Leu)

Genes: D2HGDH (D-2-hydroxyglutarate dehydrogenase; plus strand), LOC129936031 (ATAC-STARR-seq lymphoblastoid silent region 12558; plus strand). Cytogenetic location: 2q37.3.
Variant type: single nucleotide variant.
Coding change: c.29C>T on transcript NM_152783.5 (MANE Select); coding-DNA position 29, C replaced by T.
Protein change: p.Pro10Leu; replaces proline 10 with leucine.
Molecular consequence: missense variant. On other transcripts: 5 prime UTR variant (1), non-coding transcript variant (1), intron variant (1).
Genome position (GRCh38, 1-based): chr2:241,735,253, C>T. VCF-style: chr2-241735253-C-T. GRCh37 (hg19) VCF-style: chr2-242674668-C-T.
Other names: c.-516C>T (NM_001352824.2); c.-111+558C>T (NM_001287249.2); short protein forms P10L.
Identifiers: ClinVar variation 1425038 (VCV001425038.8), dbSNP rs1437303780, ClinGen allele CA351404233.

ClinVar aggregate classification (germline): Uncertain significance (1 of 4 stars; one submission).

Conditions:
D-2-hydroxyglutaric aciduria 1 (D2HGA1). Identifiers: Orphanet 79315, MedGen C3152055, MONDO:0024554, OMIM 600721.

Allele frequency attached by ClinVar (database versions not stated): gnomAD 0.00001; TOPMed 0.00001; gnomAD exomes 0.00002.
gnomAD v4.1: 35 of 1,517,552 alleles (0.0023%); highest among the groups gnomAD compares: Non-Finnish European, 0.0028%; no homozygotes.

Submission:

Labcorp Genetics (formerly Invitae), Labcorp
Classification: Uncertain significance for D-2-hydroxyglutaric aciduria 1. Last evaluated: 2022-09-13. Review status: criteria provided, single submitter. Criteria: Invitae Variant Classification Sherloc (09022015). Collection method: clinical testing. Allele origin: germline.
Comment: In summary, the available evidence is currently insufficient to determine the role of this variant in disease. Therefore, it has been classified as a Variant of Uncertain Significance. Algorithms developed to predict the effect of missense changes on protein structure and function output the following: SIFT: "Tolerated"; PolyPhen-2: "Benign"; Align-GVGD: "Class C0". The leucine amino acid residue is found in multiple mammalian species, which suggests that this missense change does not adversely affect protein function. ClinVar contains an entry for this variant (Variation ID: 1425038). This variant has not been reported in the literature in individuals affected with D2HGDH-related conditions. This variant is not present in population databases (gnomAD no frequency). This sequence change replaces proline, which is neutral and non-polar, with leucine, which is neutral and non-polar, at codon 10 of the D2HGDH protein (p.Pro10Leu).